The following is an entry in ClinVar:

ClinVar aggregate classification (germline): Uncertain significance (1 of 4 stars; one submission).

Conditions:
Hereditary cancer-predisposing syndrome. Also called: Tumor predisposition; Hereditary neoplastic syndrome; Neoplastic Syndromes, Hereditary; Hereditary Cancer Syndrome. Identifiers: Orphanet 140162, MedGen C0027672, MeSH D009386, MONDO:0015356.

Submission:

Ambry Genetics
Classification: Uncertain significance for Hereditary cancer-predisposing syndrome. Last evaluated: 2025-05-03. Review status: criteria provided, single submitter. Criteria: Ambry Variant Classification Scheme 2023. Collection method: clinical testing. Allele origin: germline.
Comment: The p.F384S variant (also known as c.1151T>C), located in coding exon 9 of the POLD1 gene, results from a T to C substitution at nucleotide position 1151. The phenylalanine at codon 384 is replaced by serine, an amino acid with highly dissimilar properties. This amino acid position is highly conserved in available vertebrate species. In addition, the in silico prediction for this alteration is inconclusive. Since supporting evidence is limited at this time, the clinical significance of this alteration remains unclear.

NM_002691.4(POLD1):c.1151T>C (p.Phe384Ser)

Gene: POLD1 (DNA polymerase delta 1, catalytic subunit; plus strand). Cytogenetic location: 19q13.33.
Variant type: single nucleotide variant.
Coding change: c.1151T>C on transcript NM_002691.4 (MANE Select); coding-DNA position 1151, T replaced by C.
Protein change: p.Phe384Ser; replaces phenylalanine 384 with serine.
Molecular consequence: missense variant. On other transcripts: non-coding transcript variant (1).
Genome position (GRCh38, 1-based): chr19:50,403,506, T>C. VCF-style: chr19-50403506-T-C. GRCh37 (hg19) VCF-style: chr19-50906763-T-C.
Other names: c.1151T>C, p.Phe384Ser (NM_001256849.1, NM_001308632.1); short protein forms F384S.
Identifiers: ClinVar variation 818428 (VCV000818428.5), dbSNP rs1601206007, ClinGen allele CA406978449.